The following is an entry in ClinVar:

NM_004304.5(ALK):c.1075G>A (p.Gly359Arg)

Gene: ALK (ALK receptor tyrosine kinase; minus strand). Cytogenetic location: 2p23.2.
Variant type: single nucleotide variant.
Coding change: c.1075G>A on transcript NM_004304.5 (MANE Select); coding-DNA position 1075, G replaced by A.
Protein change: p.Gly359Arg; replaces glycine 359 with arginine.
Molecular consequence: missense variant.
Genome position (GRCh38, 1-based): chr2:29,531,994, C>T on the plus strand (G>A on the coding strand, the complement: ALK is on the minus strand). VCF-style: chr2-29531994-C-T. GRCh37 (hg19) VCF-style: chr2-29754860-C-T.
Other names: short protein forms G359R.
Identifiers: ClinVar variation 1784732 (VCV001784732.5), dbSNP rs1673132541, ClinGen allele CA346587329.

ClinVar aggregate classification (germline): Uncertain significance. Review status: criteria provided, multiple submitters, no conflicts (2 of 4 stars). 2 submissions from 2 submitters: Uncertain significance (2). Last evaluated 2022-11-23.

Conditions:
Neuroblastoma, susceptibility to, 3. Also called: ALK-Related Neuroblastic Tumor Susceptibility. Identifiers: Orphanet 635, MedGen C2751681, MONDO:0013083, OMIM 613014.
Hereditary cancer-predisposing syndrome. Also called: Tumor predisposition; Neoplastic Syndromes, Hereditary; Hereditary Cancer Syndrome; Hereditary neoplastic syndrome. Identifiers: Orphanet 140162, MedGen C0027672, MeSH D009386, MONDO:0015356.

Allele frequency attached by ClinVar (database versions not stated): gnomAD exomes below 0.00001.
gnomAD v4.1: 2 of 1,614,158 alleles (0.00012%); highest among the groups gnomAD compares: Non-Finnish European, 0.00017%; no homozygotes.

Submissions (2):

Labcorp Genetics (formerly Invitae), Labcorp
Classification: Uncertain significance for Neuroblastoma, susceptibility to, 3. Last evaluated: 2022-11-23. Review status: criteria provided, single submitter. Criteria: Invitae Variant Classification Sherloc (09022015). Collection method: clinical testing. Allele origin: germline.
Comment: In summary, the available evidence is currently insufficient to determine the role of this variant in disease. Therefore, it has been classified as a Variant of Uncertain Significance. Algorithms developed to predict the effect of missense changes on protein structure and function are either unavailable or do not agree on the potential impact of this missense change (SIFT: "Deleterious"; PolyPhen-2: "Probably Damaging"; Align-GVGD: "Class C0"). This variant has not been reported in the literature in individuals affected with ALK-related conditions. This variant is not present in population databases (gnomAD no frequency). This sequence change replaces glycine, which is neutral and non-polar, with arginine, which is basic and polar, at codon 359 of the ALK protein (p.Gly359Arg).

Ambry Genetics
Classification: Uncertain significance for Hereditary cancer-predisposing syndrome. Last evaluated: 2022-03-07. Review status: criteria provided, single submitter. Criteria: Ambry Variant Classification Scheme 2023. Collection method: clinical testing. Allele origin: germline.
Comment: The p.G359R variant (also known as c.1075G>A), located in coding exon 4 of the ALK gene, results from a G to A substitution at nucleotide position 1075. The glycine at codon 359 is replaced by arginine, an amino acid with dissimilar properties. This amino acid position is conserved. In addition, the in silico prediction for this alteration is inconclusive. Since supporting evidence is limited at this time, the clinical significance of this alteration remains unclear.